The following is an entry in ClinVar:

ClinVar aggregate classification (germline): Uncertain significance (1 of 4 stars; one submission).

Conditions:
Generalized epilepsy-paroxysmal dyskinesia syndrome (PNKD3). Also called: Generalized epilepsy and paroxysmal dyskinesia; Paroxysmal nonkinesigenic dyskinesia, 3, with or without generalized epilepsy. Identifiers: Orphanet 79137, MedGen C5574945, MONDO:0012276, OMIM 609446.

Submission:

Labcorp Genetics (formerly Invitae), Labcorp
Classification: Uncertain significance for Generalized epilepsy-paroxysmal dyskinesia syndrome. Last evaluated: 2024-02-24. Review status: criteria provided, single submitter. Criteria: Invitae Variant Classification Sherloc (09022015). Collection method: clinical testing. Allele origin: germline.
Comment: This variant, c.45_56dup, results in the insertion of 4 amino acid(s) of the KCNMA1 protein (p.Gly17_Gly20dup), but otherwise preserves the integrity of the reading frame. This variant is not present in population databases (gnomAD no frequency). This variant has not been reported in the literature in individuals affected with KCNMA1-related conditions. Experimental studies and prediction algorithms are not available or were not evaluated, and the functional significance of this variant is currently unknown. In summary, the available evidence is currently insufficient to determine the role of this variant in disease. Therefore, it has been classified as a Variant of Uncertain Significance.

NM_001161352.2(KCNMA1):c.36CGG[11] (p.Gly17_Gly20dup)

Gene: KCNMA1 (potassium calcium-activated channel subfamily M alpha 1; minus strand). Cytogenetic location: 10q22.3.
Variant type: Microsatellite.
Coding change: c.36CGG[11] on transcript NM_001161352.2 (MANE Select); 11 copies in a row of the 3-base unit CGG starting at c.36; the reference has seven copies in a row; four copies, 12 bases duplicated.
Protein change: p.Gly17_Gly20dup.
Molecular consequence: inframe insertion.
Genome position (GRCh38, 1-based): chr10:77,637,587-77,637,598, CCGCCGCCGCCG duplicated on the plus strand (CGGCGGCGGCGG on the coding strand, the reverse complement: KCNMA1 is on the minus strand); duplicating any 12 consecutive bases within chr10:77,637,587-77,637,608 gives the same sequence; the position shown is the placement nearest the transcript's 3' end. VCF-style (leftmost placement, unchanged base first): chr10-77637586-T-TCCGCCGCCGCCG. GRCh37 (hg19) VCF-style: chr10-79397344-T-TCCGCCGCCGCCG.
Other names: c.36CGG[11], p.Gly17_Gly20dup (NM_001014797.3, NM_001161353.2, NM_001271518.2 and 12 more transcripts).
Identifiers: ClinVar variation 1023069 (VCV001023069.9), dbSNP rs760628050, ClinGen allele CA2497300123.